The following is an entry in ClinVar:

ClinVar aggregate classification (germline): Uncertain significance (1 of 4 stars; one submission).

Submission:

GeneDx
Classification: Uncertain significance. Last evaluated: 2024-09-03. Review status: criteria provided, single submitter. Criteria: GeneDx Variant Classification Process June 2021. Collection method: clinical testing. Allele origin: germline. Affected: yes.
Comment: Not observed at significant frequency in large population cohorts (gnomAD); In silico analysis supports that this missense variant has a deleterious effect on protein structure/function; Has not been previously published as pathogenic or benign to our knowledge

NM_012330.4(KAT6B):c.6039G>A (p.Met2013Ile)

Gene: KAT6B (lysine acetyltransferase 6B; plus strand). Cytogenetic location: 10q22.2.
Variant type: single nucleotide variant.
Coding change: c.6039G>A on transcript NM_012330.4 (MANE Select); coding-DNA position 6039, G replaced by A.
Protein change: p.Met2013Ile; replaces methionine 2013 with isoleucine.
Molecular consequence: missense variant.
Genome position (GRCh38, 1-based): chr10:75,030,863, G>A. VCF-style: chr10-75030863-G-A. GRCh37 (hg19) VCF-style: chr10-76790621-G-A.
Other names: c.5490G>A, p.Met1830Ile (NM_001256468.2, NM_001370138.1); c.5163G>A, p.Met1721Ile (NM_001256469.2, NM_001370139.1, NM_001370140.1 and 2 more transcripts); c.5001G>A, p.Met1667Ile (NM_001370132.1); c.4350G>A, p.Met1450Ile (NM_001370133.1); c.3954G>A, p.Met1318Ile (NM_001370134.1); c.3696G>A, p.Met1232Ile (NM_001370135.1); c.6039G>A, p.Met2013Ile (NM_001370136.1, NM_001370137.1); c.4974G>A, p.Met1658Ile (NM_001370143.1, NM_001370144.1); short protein forms M1232I, M1318I, M1450I, M1658I, M1667I, M1721I, M1830I, M2013I.
Identifiers: ClinVar variation 3766170 (VCV003766170.1).